The following is an entry in ClinVar:

ClinVar aggregate classification (germline): Likely benign. Review status: criteria provided, multiple submitters, no conflicts (2 of 4 stars). 3 submissions from 3 submitters: Likely benign (2). 1 of the submissions does not count toward it. Last evaluated 2026-01-20.

Conditions:
Inborn genetic diseases. Identifiers: MedGen C0950123, MeSH D030342.
NPC1-related disorder. Also called: NPC1-related condition.
Niemann-Pick disease, type C1. Also called: NIEMANN-PICK DISEASE, VARIANT TYPE C1; NEUROVISCERAL STORAGE DISEASE WITH VERTICAL SUPRANUCLEAR OPHTHALMOPLEGIA; NIEMANN-PICK DISEASE WITH CHOLESTEROL ESTERIFICATION BLOCK; NIEMANN-PICK DISEASE WITHOUT SPHINGOMYELINASE DEFICIENCY; NIEMANN-PICK DISEASE, CHRONIC NEURONOPATHIC FORM. Identifiers: Orphanet 646, MedGen C3179455, MONDO:0009757, OMIM 257220.

Allele frequency attached by ClinVar (database versions not stated): gnomAD exomes 0.00001 and 0.00003; ExAC 0.00003; gnomAD 0.00004; TOPMed 0.00004; 1000 Genomes Project 30x 0.00016; 1000 Genomes Project 0.00020.
gnomAD v4.1: 26 of 1,614,168 alleles (0.0016%); highest among the groups gnomAD compares: East Asian, 0.013%; no homozygotes.

Submissions (3):

Labcorp Genetics (formerly Invitae), Labcorp
Classification: Likely benign for Niemann-Pick disease, type C1. Last evaluated: 2026-01-20. Review status: criteria provided, single submitter. Criteria: Invitae Variant Classification Sherloc (09022015). Collection method: clinical testing. Allele origin: germline.

Ambry Genetics
Classification: Likely benign for Inborn genetic diseases. Last evaluated: 2025-04-20. Review status: criteria provided, single submitter. Criteria: Ambry Variant Classification Scheme 2023. Collection method: clinical testing. Allele origin: germline.

PreventionGenetics, part of Exact Sciences
Classification: Likely benign for NPC1-related condition. Last evaluated: 2023-05-25. Review status: no assertion criteria provided. Collection method: clinical testing. Allele origin: germline. Not counted in ClinVar's aggregate classification.
Comment: This variant is classified as likely benign based on ACMG/AMP sequence variant interpretation guidelines (Richards et al. 2015 PMID: 25741868, with internal and published modifications).

NM_000271.5(NPC1):c.3132G>A (p.Val1044=)

Gene: NPC1 (NPC intracellular cholesterol transporter 1; minus strand). Cytogenetic location: 18q11.2.
Variant type: single nucleotide variant.
Coding change: c.3132G>A on transcript NM_000271.5 (MANE Select); coding-DNA position 3132, G replaced by A.
Protein change: p.Val1044=; no amino-acid change (valine 1044 retained).
Molecular consequence: synonymous variant.
Genome position (GRCh38, 1-based): chr18:23,536,786, C>T on the plus strand (G>A on the coding strand, the complement: NPC1 is on the minus strand). VCF-style: chr18-23536786-C-T. GRCh37 (hg19) VCF-style: chr18-21116750-C-T.
Other names: c.3132G>A (NM_000271.4).
Identifiers: ClinVar variation 1129536 (VCV001129536.12), dbSNP rs138054593, ClinGen allele CA8912851.
Genomic context (GRCh38, chr18:23,536,786, plus strand): 5'-ATTACTGGCTATAAGTCGGGCTTTCTTCAGAGCGTCAATAAAGTCAGCAGAGGTCTGCAG[C>T]ACGGTGTGGTAGGTCATGAAGTACGTGGCTCCGACCCTGGTGCCATGGCCAAGGAGGATG-3'
Protein context (NP_000262.2, residues 1034-1054): GATYFMTYHT[Val1044=]LQTSADFIDA